The following is an entry in ClinVar:

ClinVar aggregate classification (germline): Benign (3 of 4 stars; one submission).

Conditions:
Breast-ovarian cancer, familial, susceptibility to, 1 (BROVCA1). Also called: BRCA1 Hereditary Breast and Ovarian Cancer; OVARIAN CANCER, SUSCEPTIBILITY TO. Identifiers: Orphanet 145, MedGen C2676676, MONDO:0011450, OMIM 604370. Disease mechanism: loss of function.

Allele frequency attached by ClinVar (database versions not stated): TOPMed 0.28327; gnomAD 0.29134 and 0.30012; 1000 Genomes Project 30x 0.33011; 1000 Genomes Project 0.33586.
gnomAD v4.1: 45,584 of 151,770 alleles (30%); highest among the groups gnomAD compares: South Asian, 49%; 7,400 homozygotes.

Submission:

Evidence-based Network for the Interpretation of Germline Mutant Alleles (ENIGMA)
Classification: Benign for Breast-ovarian cancer, familial 1. Last evaluated: 2015-01-12. Review status: reviewed by expert panel. Criteria: ENIGMA BRCA1/2 Classification Criteria (2015). Collection method: curation. Allele origin: germline.
Comment: Class 1 not pathogenic based on frequency >1% in an outbred sampleset. Frequency 0.3287 (Asian), 0.128 (African), 0.3575 (European), derived from 1000 genomes (2012-04-30).

NM_007294.4(BRCA1):c.5074+1053A>G

Gene: BRCA1 (BRCA1 DNA repair associated; minus strand). Cytogenetic location: 17q21.31.
Variant type: single nucleotide variant.
Coding change: c.5074+1053A>G on transcript NM_007294.4 (MANE Select); 1053 bases into the intron after coding-DNA position 5074, A replaced by G.
Molecular consequence: intron variant.
Genome position (GRCh38, 1-based): chr17:43,066,555, T>C on the plus strand (A>G on the coding strand, the complement: BRCA1 is on the minus strand). VCF-style: chr17-43066555-T-C. GRCh37 (hg19) VCF-style: chr17-41218572-T-C.
Other names: IVS 17+1053A>G; c.1621+1053A>G (NM_001408458.1, NM_001408461.1, NM_001408464.1 and 7 more transcripts); c.4183+1053A>G (NM_001407967.1); c.4693+1053A>G (NM_001407959.1); c.4807+1053A>G (NM_001407931.1, NM_001407932.1, NM_001407928.1 and 4 more transcripts); c.4930+1053A>G (NM_001407747.1, NM_001407745.1, NM_001407737.1 and 21 more transcripts); c.4690+1053A>G (NM_001407962.1, NM_001407960.1); c.1261+1053A>G (NM_001408512.1); and 72 more.
Identifiers: ClinVar variation 209340 (VCV000209340.2), dbSNP rs4793195, ClinGen allele CA276312.